The following is an entry in ClinVar:

NM_014484.5(MOCS3):c.475C>A (p.Gln159Lys)

Gene: MOCS3 (molybdenum cofactor synthesis 3; plus strand). Cytogenetic location: 20q13.13.
Variant type: single nucleotide variant.
Coding change: c.475C>A on transcript NM_014484.5 (MANE Select); coding-DNA position 475, C replaced by A.
Protein change: p.Gln159Lys; replaces glutamine 159 with lysine.
Molecular consequence: missense variant.
Genome position (GRCh38, 1-based): chr20:50,959,317, C>A. VCF-style: chr20-50959317-C-A. GRCh37 (hg19) VCF-style: chr20-49575854-C-A.
Other names: short protein forms Q159K.
Identifiers: ClinVar variation 1390076 (VCV001390076.6), dbSNP rs2123159159, ClinGen allele CA408983097.

ClinVar aggregate classification (germline): Uncertain significance (1 of 4 stars; one submission).

Submission:

Labcorp Genetics (formerly Invitae), Labcorp
Classification: Uncertain significance. Last evaluated: 2022-03-22. Review status: criteria provided, single submitter. Criteria: Invitae Variant Classification Sherloc (09022015). Collection method: clinical testing. Allele origin: germline.
Comment: This variant is not present in population databases (gnomAD no frequency). This sequence change replaces glutamine, which is neutral and polar, with lysine, which is basic and polar, at codon 159 of the MOCS3 protein (p.Gln159Lys). This variant has not been reported in the literature in individuals affected with MOCS3-related conditions. In summary, the available evidence is currently insufficient to determine the role of this variant in disease. Therefore, it has been classified as a Variant of Uncertain Significance. Algorithms developed to predict the effect of missense changes on protein structure and function (SIFT, PolyPhen-2, Align-GVGD) all suggest that this variant is likely to be tolerated.